The following is an entry in ClinVar:

ClinVar aggregate classification (germline): Uncertain significance (1 of 4 stars; one submission).

Conditions:
Hereditary cancer-predisposing syndrome. Also called: Tumor predisposition; Hereditary Cancer Syndrome; Hereditary neoplastic syndrome; Neoplastic Syndromes, Hereditary. Identifiers: Orphanet 140162, MedGen C0027672, MeSH D009386, MONDO:0015356.

Allele frequency attached by ClinVar (database versions not stated): gnomAD exomes below 0.00001.
gnomAD v4.1: 1 of 1,614,194 alleles (0.000062%); highest among the groups gnomAD compares: Non-Finnish European, 0.000085%; no homozygotes.

Submission:

Ambry Genetics
Classification: Uncertain significance for Hereditary cancer-predisposing syndrome. Last evaluated: 2023-06-17. Review status: criteria provided, single submitter. Criteria: Ambry Variant Classification Scheme 2023. Collection method: clinical testing. Allele origin: germline.
Comment: The p.E386A variant (also known as c.1157A>C), located in coding exon 4 of the AXIN2 gene, results from an A to C substitution at nucleotide position 1157. The glutamic acid at codon 386 is replaced by alanine, an amino acid with dissimilar properties. This amino acid position is conserved. In addition, the in silico prediction for this alteration is inconclusive. Since supporting evidence is limited at this time, the clinical significance of this alteration remains unclear.

NM_004655.4(AXIN2):c.1157A>C (p.Glu386Ala)

Gene: AXIN2 (axin 2; minus strand). Cytogenetic location: 17q24.1.
Variant type: single nucleotide variant.
Coding change: c.1157A>C on transcript NM_004655.4 (MANE Select); coding-DNA position 1157, A replaced by C.
Protein change: p.Glu386Ala; replaces glutamic acid 386 with alanine.
Molecular consequence: missense variant.
Genome position (GRCh38, 1-based): chr17:65,538,246, T>G on the plus strand (A>C on the coding strand, the complement: AXIN2 is on the minus strand). VCF-style: chr17-65538246-T-G. GRCh37 (hg19) VCF-style: chr17-63534364-T-G.
Other names: c.1157A>C, p.Glu386Ala (NM_001363813.1); short protein forms E386A.
Identifiers: ClinVar variation 2624755 (VCV002624755.2), dbSNP rs2144476916, ClinGen allele CA400678287.